The following is an entry in ClinVar:

NM_002591.4(PCK1):c.858C>T (p.Ser286=)

Gene: PCK1 (phosphoenolpyruvate carboxykinase 1; plus strand). Cytogenetic location: 20q13.31.
Variant type: single nucleotide variant.
Coding change: c.858C>T on transcript NM_002591.4 (MANE Select); coding-DNA position 858, C replaced by T.
Protein change: p.Ser286=; no amino-acid change (serine 286 retained).
Molecular consequence: synonymous variant.
Genome position (GRCh38, 1-based): chr20:57,563,624, C>T. VCF-style: chr20-57563624-C-T. GRCh37 (hg19) VCF-style: chr20-56138680-C-T.
Identifiers: ClinVar variation 743838 (VCV000743838.9), dbSNP rs150928523, ClinGen allele CA9922186.

ClinVar aggregate classification (germline): Conflicting classifications of pathogenicity. Review status: criteria provided, conflicting classifications (1 of 4 stars). 3 submissions from 3 submitters: Uncertain significance (1); Likely benign (1). 1 of the submissions does not count toward it. Last evaluated 2018-06-28.

Conditions:
Phosphoenolpyruvate carboxykinase deficiency, cytosolic (PCKDC). Also called: PCK1 DEFICIENCY, CYTOSOLIC; PEPCK DEFICIENCY, CYTOSOLIC. Identifiers: Orphanet 2880, MedGen C5574905, MONDO:0009866, OMIM 261680.
PCK1-related disorder. Also called: PCK1-related condition.

Allele frequency attached by ClinVar (database versions not stated): ESP Exome Variant Server 0.00008; gnomAD exomes 0.00010; ExAC 0.00013; 1000 Genomes Project 0.00020; TOPMed 0.00022; 1000 Genomes Project 30x 0.00031.

Submissions (3):

Labcorp Genetics (formerly Invitae), Labcorp
Classification: Likely benign. Last evaluated: 2018-06-28. Review status: criteria provided, single submitter. Criteria: Invitae Variant Classification Sherloc (09022015). Collection method: clinical testing. Allele origin: germline.

Illumina Laboratory Services, Illumina
Classification: Uncertain significance for Phosphoenolpyruvate carboxykinase deficiency, cytosolic. Last evaluated: 2017-04-28. Review status: criteria provided, single submitter. Criteria: ICSL Variant Classification Criteria 13 December 2019. Collection method: clinical testing. Allele origin: germline.

PreventionGenetics, part of Exact Sciences
Classification: Likely benign for PCK1-related condition. Last evaluated: 2024-09-24. Review status: no assertion criteria provided. Collection method: clinical testing. Allele origin: germline. Not counted in ClinVar's aggregate classification.
Comment: This variant is classified as likely benign based on ACMG/AMP sequence variant interpretation guidelines (Richards et al. 2015 PMID: 25741868, with internal and published modifications).